The following is an entry in ClinVar:

NM_002734.5(PRKAR1A):c.868G>T (p.Asp290Tyr)

Gene: PRKAR1A (protein kinase cAMP-dependent type I regulatory subunit alpha; plus strand). Cytogenetic location: 17q24.2.
Variant type: single nucleotide variant.
Coding change: c.868G>T on transcript NM_002734.5 (MANE Select); coding-DNA position 868, G replaced by T.
Protein change: p.Asp290Tyr; replaces aspartic acid 290 with tyrosine.
Molecular consequence: missense variant.
Genome position (GRCh38, 1-based): chr17:68,528,968, G>T. VCF-style: chr17-68528968-G-T. GRCh37 (hg19) VCF-style: chr17-66525109-G-T.
Other names: c.868G>T, p.Asp290Tyr (NM_001276289.2, NM_001276290.1, NM_001278433.2 and 4 more transcripts); short protein forms D290Y.
Identifiers: ClinVar variation 2919956 (VCV002919956.3), dbSNP rs2085879641, ClinGen allele CA400754003.
Genomic context (GRCh38, chr17:68,528,968, plus strand): 5'-GCATTGGAACCAGTGCAGTTTGAAGATGGGCAGAAGATTGTGGTGCAGGGAGAACCAGGG[G>T]ATGAGTTCTTCATTATTTTAGAGGTAAAGAACTCAGAATTTAATACTTGAATTTTAGAGG-3'
Protein context (NP_002725.1, residues 280-300): QKIVVQGEPG[Asp290Tyr]EFFIILEGSA

ClinVar aggregate classification (germline): Uncertain significance (1 of 4 stars; one submission).

Conditions:
Carney complex, type 1 (CNC1). Also called: CARNEY COMPLEX, TYPE I; CARNEY MYXOMA-ENDOCRINE COMPLEX. Identifiers: Orphanet 1359, MedGen C2607929, MONDO:0008057, OMIM 160980.

Allele frequency attached by ClinVar (database versions not stated): TOPMed below 0.00001.

Submission:

Labcorp Genetics (formerly Invitae), Labcorp
Classification: Uncertain significance for Carney complex, type 1. Last evaluated: 2022-11-02. Review status: criteria provided, single submitter. Criteria: Invitae Variant Classification Sherloc (09022015). Collection method: clinical testing. Allele origin: germline.
Comment: This variant has not been reported in the literature in individuals affected with PRKAR1A-related conditions. This sequence change replaces aspartic acid, which is acidic and polar, with tyrosine, which is neutral and polar, at codon 290 of the PRKAR1A protein (p.Asp290Tyr). This variant is not present in population databases (gnomAD no frequency). Advanced modeling of protein sequence and biophysical properties (such as structural, functional, and spatial information, amino acid conservation, physicochemical variation, residue mobility, and thermodynamic stability) has been performed at Invitae for this missense variant, however the output from this modeling did not meet the statistical confidence thresholds required to predict the impact of this variant on PRKAR1A protein function. Algorithms developed to predict the effect of sequence changes on RNA splicing suggest that this variant may create or strengthen a splice site. In summary, the available evidence is currently insufficient to determine the role of this variant in disease. Therefore, it has been classified as a Variant of Uncertain Significance.